The following is an entry in ClinVar:

ClinVar aggregate classification (germline): Uncertain significance. Review status: criteria provided, multiple submitters, no conflicts (2 of 4 stars). 2 submissions from 2 submitters: Uncertain significance (2). Last evaluated 2025-01-12.

Conditions:
Familial sleep-related hypermotor epilepsy. Also called: Autosomal Dominant Sleep-Related Hypermotor (Hyperkinetic) Epilepsy. Identifiers: Orphanet 98784, MedGen C3696898, MONDO:0000030.

Allele frequency attached by ClinVar (database versions not stated): TOPMed 0.00001; gnomAD exomes below 0.00001.
gnomAD v4.1: 2 of 1,610,722 alleles (0.00012%); highest among the groups gnomAD compares: Non-Finnish European, 0.00017%; no homozygotes.

Submissions (2):

Labcorp Genetics (formerly Invitae), Labcorp
Classification: Uncertain significance. Last evaluated: 2025-01-12. Review status: criteria provided, single submitter. Criteria: Invitae Variant Classification Sherloc (09022015). Collection method: clinical testing. Allele origin: germline.
Comment: This sequence change replaces serine, which is neutral and polar, with arginine, which is basic and polar, at codon 27 of the CHRNA4 protein (p.Ser27Arg). This variant is not present in population databases (gnomAD no frequency). This variant has not been reported in the literature in individuals affected with CHRNA4-related conditions. ClinVar contains an entry for this variant (Variation ID: 1313302). Invitae Evidence Modeling of protein sequence and biophysical properties (such as structural, functional, and spatial information, amino acid conservation, physicochemical variation, residue mobility, and thermodynamic stability) indicates that this missense variant is not expected to disrupt CHRNA4 protein function with a negative predictive value of 80%. In summary, the available evidence is currently insufficient to determine the role of this variant in disease. Therefore, it has been classified as a Variant of Uncertain Significance.

GeneDx
Classification: Uncertain significance. Last evaluated: 2020-10-15. Review status: criteria provided, single submitter. Criteria: GeneDx Variant Classification Process June 2021. Collection method: clinical testing. Allele origin: germline. Affected: yes.
Comment: Not observed in large population cohorts (Lek et al., 2016); In silico analysis supports that this missense variant does not alter protein structure/function; Has not been previously published as pathogenic or benign to our knowledge

NM_000744.7(CHRNA4):c.81C>A (p.Ser27Arg)

Gene: CHRNA4 (cholinergic receptor nicotinic alpha 4 subunit; minus strand). Cytogenetic location: 20q13.33.
Variant type: single nucleotide variant.
Coding change: c.81C>A on transcript NM_000744.7 (MANE Select); coding-DNA position 81, C replaced by A.
Protein change: p.Ser27Arg; replaces serine 27 with arginine.
Molecular consequence: missense variant. On other transcripts: 5 prime UTR variant (1), non-coding transcript variant (1).
Genome position (GRCh38, 1-based): chr20:63,359,695, G>T on the plus strand (C>A on the coding strand, the complement: CHRNA4 is on the minus strand). VCF-style: chr20-63359695-G-T. GRCh37 (hg19) VCF-style: chr20-61991047-G-T.
Other names: c.-466C>A (NM_001256573.2); short protein forms S27R.
Identifiers: ClinVar variation 1313302 (VCV001313302.5), dbSNP rs1211831892, ClinGen allele CA409644087.